The following is an entry in ClinVar:

ClinVar aggregate classification (germline): Likely benign (0 of 4 stars; one submission).

Conditions:
IQCE-related disorder. Also called: IQCE-related condition.

Allele frequency attached by ClinVar (database versions not stated): 1000 Genomes Project 30x 0.00016; 1000 Genomes Project 0.00020; TOPMed 0.00036; gnomAD 0.00039; ExAC 0.00046; gnomAD exomes 0.00049; ESP Exome Variant Server 0.00071.
gnomAD v4.1: 764 of 1,613,176 alleles (0.047%); highest among the groups gnomAD compares: Non-Finnish European, 0.06%; no homozygotes.

Submission:

PreventionGenetics, part of Exact Sciences
Classification: Likely benign for IQCE-related condition. Last evaluated: 2019-04-09. Review status: no assertion criteria provided. Collection method: clinical testing. Allele origin: germline.
Comment: This variant is classified as likely benign based on ACMG/AMP sequence variant interpretation guidelines (Richards et al. 2015 PMID: 25741868, with internal and published modifications).

NM_152558.5(IQCE):c.1641G>T (p.Val547=)

Gene: IQCE (IQ motif containing E; plus strand). Cytogenetic location: 7p22.3.
Variant type: single nucleotide variant.
Coding change: c.1641G>T on transcript NM_152558.5 (MANE Select); coding-DNA position 1641, G replaced by T.
Protein change: p.Val547=; no amino-acid change (valine 547 retained).
Molecular consequence: synonymous variant.
Genome position (GRCh38, 1-based): chr7:2,604,889, G>T. VCF-style: chr7-2604889-G-T. GRCh37 (hg19) VCF-style: chr7-2644523-G-T.
Other names: c.1641G>T, p.Val547= (NM_001287499.2); c.1593G>T, p.Val531= (NM_001287500.2, NM_001410865.1); c.1446G>T, p.Val482= (NM_001287501.2, NM_001287502.2).
Identifiers: ClinVar variation 3044958 (VCV003044958.2), dbSNP rs201471152, ClinGen allele CA4129399.